The following is an entry in ClinVar:

ClinVar aggregate classification (germline): Conflicting classifications of pathogenicity. Review status: criteria provided, conflicting classifications (1 of 4 stars). 4 submissions from 4 submitters: Uncertain significance (1); Likely benign (2). 1 of the submissions does not count toward it. Last evaluated 2024-10-18.

Conditions:
Inborn genetic diseases. Identifiers: MedGen C0950123, MeSH D030342.
SOD1-related disorder. Also called: SOD1-related condition.
Amyotrophic lateral sclerosis type 1 (ALS1). Also called: AMYOTROPHIC LATERAL SCLEROSIS 1, FAMILIAL. Identifiers: Orphanet 803, MedGen C1862939, MONDO:0007103, OMIM 105400.

Allele frequency attached by ClinVar (database versions not stated): gnomAD exomes 0.00001 and 0.00002; TOPMed 0.00001; ExAC 0.00003.

Submissions (4):

Labcorp Genetics (formerly Invitae), Labcorp
Classification: Likely benign for Amyotrophic lateral sclerosis type 1. Last evaluated: 2024-10-18. Review status: criteria provided, single submitter. Criteria: Invitae Variant Classification Sherloc (09022015). Collection method: clinical testing. Allele origin: germline.

Ambry Genetics
Classification: Likely benign for Inborn genetic diseases. Last evaluated: 2024-03-19. Review status: criteria provided, single submitter. Criteria: Ambry Variant Classification Scheme 2023. Collection method: clinical testing. Allele origin: germline.

Illumina Laboratory Services, Illumina
Classification: Uncertain significance for Amyotrophic lateral sclerosis type 1. Last evaluated: 2018-01-13. Review status: criteria provided, single submitter. Criteria: ICSL Variant Classification Criteria 13 December 2019. Collection method: clinical testing. Allele origin: germline.

PreventionGenetics, part of Exact Sciences
Classification: Likely benign for SOD1-related condition. Last evaluated: 2023-10-04. Review status: no assertion criteria provided. Collection method: clinical testing. Allele origin: germline. Not counted in ClinVar's aggregate classification.
Comment: This variant is classified as likely benign based on ACMG/AMP sequence variant interpretation guidelines (Richards et al. 2015 PMID: 25741868, with internal and published modifications).

NM_000454.5(SOD1):c.66G>A (p.Glu22=)

Genes: SOD1 (superoxide dismutase 1; plus strand), SOD1-DT (SOD1 divergent transcript; minus strand). Cytogenetic location: 21q22.11.
Variant type: single nucleotide variant.
Coding change: c.66G>A on transcript NM_000454.5 (MANE Select); coding-DNA position 66, G replaced by A.
Protein change: p.Glu22=; no amino-acid change (glutamic acid 22 retained).
Molecular consequence: synonymous variant.
Genome position (GRCh38, 1-based): chr21:31,659,835, G>A. VCF-style: chr21-31659835-G-A. GRCh37 (hg19) VCF-style: chr21-33032148-G-A.
Identifiers: ClinVar variation 339668 (VCV000339668.10), dbSNP rs756458346, ClinGen allele CA9998860.